The following is an entry in ClinVar:

ClinVar aggregate classification (germline): Uncertain significance. Review status: criteria provided, multiple submitters, no conflicts (2 of 4 stars). 2 submissions from 2 submitters: Uncertain significance (2). Last evaluated 2022-07-31.

Conditions:
Hereditary cancer-predisposing syndrome. Also called: Neoplastic Syndromes, Hereditary; Tumor predisposition; Hereditary Cancer Syndrome; Hereditary neoplastic syndrome. Identifiers: Orphanet 140162, MedGen C0027672, MeSH D009386, MONDO:0015356.
Hereditary pheochromocytoma and paraganglioma. Also called: Hereditary pheochromocytoma-paraganglioma; Hereditary paragangliomas and pheochromocytomas; Hereditary Paraganglioma-Pheochromocytoma Syndromes. Identifiers: Orphanet 29072, MedGen C4274332, MONDO:0017366.

Submissions (2):

Labcorp Genetics (formerly Invitae), Labcorp
Classification: Uncertain significance for Hereditary pheochromocytoma and paraganglioma. Last evaluated: 2022-07-31. Review status: criteria provided, single submitter. Criteria: Invitae Variant Classification Sherloc (09022015). Collection method: clinical testing. Allele origin: germline.
Comment: In summary, the available evidence is currently insufficient to determine the role of this variant in disease. Therefore, it has been classified as a Variant of Uncertain Significance. Algorithms developed to predict the effect of missense changes on protein structure and function are either unavailable or do not agree on the potential impact of this missense change (SIFT: "Deleterious"; PolyPhen-2: "Possibly Damaging"; Align-GVGD: "Class C0"). This variant has not been reported in the literature in individuals affected with TMEM127-related conditions. This variant is not present in population databases (gnomAD no frequency). This sequence change replaces isoleucine, which is neutral and non-polar, with methionine, which is neutral and non-polar, at codon 125 of the TMEM127 protein (p.Ile125Met).

Ambry Genetics
Classification: Uncertain significance for Hereditary cancer-predisposing syndrome. Last evaluated: 2022-04-21. Review status: criteria provided, single submitter. Criteria: Ambry Variant Classification Scheme 2023. Collection method: clinical testing. Allele origin: germline.
Comment: The p.I125M variant (also known as c.375C>G), located in coding exon 2 of the TMEM127 gene, results from a C to G substitution at nucleotide position 375. The isoleucine at codon 125 is replaced by methionine, an amino acid with highly similar properties. This amino acid position is conserved. In addition, this alteration is predicted to be deleterious by in silico analysis. Since supporting evidence is limited at this time, the clinical significance of this alteration remains unclear.

NM_017849.4(TMEM127):c.375C>G (p.Ile125Met)

Gene: TMEM127 (transmembrane protein 127; minus strand). Cytogenetic location: 2q11.2.
Variant type: single nucleotide variant.
Coding change: c.375C>G on transcript NM_017849.4 (MANE Select); coding-DNA position 375, C replaced by G.
Protein change: p.Ile125Met; replaces isoleucine 125 with methionine.
Molecular consequence: missense variant.
Genome position (GRCh38, 1-based): chr2:96,254,867, G>C on the plus strand (C>G on the coding strand, the complement: TMEM127 is on the minus strand). VCF-style: chr2-96254867-G-C. GRCh37 (hg19) VCF-style: chr2-96920605-G-C.
Other names: c.375C>G, p.Ile125Met (NM_001193304.3); c.123C>G, p.Ile41Met (NM_001407282.1, NM_001407283.1); short protein forms I41M, I125M.
Identifiers: ClinVar variation 1734634 (VCV001734634.7), dbSNP rs1260610916, ClinGen allele CA347653312.